The following is an entry in ClinVar:

ClinVar aggregate classification (germline): Pathogenic (1 of 4 stars; one submission).

Conditions:
Immunodeficiency 67. Also called: Immunodeficiency due to interleukin-1 receptor-associated kinase-4 deficiency. Identifiers: Orphanet 70592, MedGen C1843256, MONDO:0011888, OMIM 607676.

Submission:

Labcorp Genetics (formerly Invitae), Labcorp
Classification: Pathogenic for IRAK4 deficiency. Last evaluated: 2019-03-22. Review status: criteria provided, single submitter. Criteria: Invitae Variant Classification Sherloc (09022015). Collection method: clinical testing. Allele origin: germline.
Comment: This sequence change creates a premature translational stop signal (p.Leu173*) in the IRAK4 gene. It is expected to result in an absent or disrupted protein product. This variant is not present in population databases (ExAC no frequency). This variant has not been reported in the literature in individuals with IRAK4-related conditions. Algorithms developed to predict the effect of sequence changes on RNA splicing suggest that this variant may create or strengthen a splice site, but this prediction has not been confirmed by published transcriptional studies. Loss-of-function variants in IRAK4 are known to be pathogenic (PMID: 17893200, 21057262). For these reasons, this variant has been classified as Pathogenic.

NM_016123.4(IRAK4):c.518T>A (p.Leu173Ter)

Gene: IRAK4 (interleukin 1 receptor associated kinase 4; plus strand). Cytogenetic location: 12q12.
Variant type: single nucleotide variant.
Coding change: c.518T>A on transcript NM_016123.4 (MANE Select); coding-DNA position 518, T replaced by A.
Protein change: p.Leu173Ter; replaces leucine 173 with a stop codon.
Molecular consequence: nonsense. On other transcripts: 5 prime UTR variant (2).
Genome position (GRCh38, 1-based): chr12:43,772,939, T>A. VCF-style: chr12-43772939-T-A. GRCh37 (hg19) VCF-style: chr12-44166742-T-A.
Other names: c.146T>A, p.Leu49Ter (NM_001351340.2, NM_001351341.2, NM_001351342.2 and 5 more transcripts); c.-6T>A (NM_001351343.2, NM_001351344.2); c.518T>A, p.Leu173Ter (NM_001351345.2, NM_001114182.3); short protein forms L173*, L49*.
Identifiers: ClinVar variation 858438 (VCV000858438.1), dbSNP rs1940921909, ClinGen allele CA384470307.